The following is an entry in ClinVar:

ClinVar aggregate classification (germline): Benign/Likely benign. Review status: criteria provided, multiple submitters, no conflicts (2 of 4 stars). 6 submissions from 6 submitters: Benign (1); Likely benign (4). 1 of the submissions does not count toward it. Last evaluated 2025-08-24.

Conditions:
Hereditary cancer-predisposing syndrome. Also called: Neoplastic Syndromes, Hereditary; Tumor predisposition; Hereditary Cancer Syndrome; Hereditary neoplastic syndrome. Identifiers: Orphanet 140162, MedGen C0027672, MeSH D009386, MONDO:0015356.
Familial cancer of breast. Also called: BREAST CANCER, FAMILIAL; Hereditary breast cancer; hereditary breast carcinoma. Identifiers: Orphanet 227535, MedGen C0346153, MONDO:0016419, OMIM 114480. Disease mechanism: loss of function.
Ataxia-telangiectasia syndrome (AT). Also called: Ataxia-telangiectasia, complementation group E; Ataxia-telangiectasia, complementation group D; AT, COMPLEMENTATION GROUP C; Ataxia telangiectasia (A-T); Cerebello-oculocutaneous telangiectasia; Immunodeficiency with ataxia telangiectasia. Identifiers: Orphanet 100, MedGen C0004135, MONDO:0008840, OMIM 208900.

Allele frequency attached by ClinVar (database versions not stated): gnomAD exomes below 0.00001.

Submissions (6):

Labcorp Genetics (formerly Invitae), Labcorp
Classification: Likely benign for Ataxia-telangiectasia syndrome. Last evaluated: 2025-08-24. Review status: criteria provided, single submitter. Criteria: Invitae Variant Classification Sherloc (09022015). Collection method: clinical testing. Allele origin: germline.

CeGaT Center for Human Genetics Tuebingen
Classification: Likely benign. Last evaluated: 2025-07-01. Review status: criteria provided, single submitter. Criteria: CeGaT Center For Human Genetics Tuebingen Variant Classification Criteria Version 2. Collection method: clinical testing. Allele origin: germline. Affected: yes. Observed: 2 variant alleles.
Comment: ATM: BP4, BP7

Myriad Genetics, Inc.
Classification: Benign for Familial cancer of breast. Last evaluated: 2024-05-22. Review status: criteria provided, single submitter. Criteria: Myriad Autosomal Dominant, Autosomal Recessive and X-Linked Classification Criteria (2023). Collection method: clinical testing. Allele origin: unknown.
Comment: This variant is considered benign. This variant is a silent/synonymous amino acid change and it is not expected to impact splicing.

Ambry Genetics
Classification: Likely benign for Hereditary cancer-predisposing syndrome. Last evaluated: 2020-12-09. Review status: criteria provided, single submitter. Criteria: Ambry Variant Classification Scheme 2023. Collection method: clinical testing. Allele origin: germline.

Color Diagnostics, LLC DBA Color Health
Classification: Likely benign for Hereditary cancer-predisposing syndrome. Last evaluated: 2019-12-20. Review status: criteria provided, single submitter. Criteria: ACMG Guidelines, 2015. Collection method: clinical testing. Allele origin: germline.

Natera, Inc.
Classification: Likely benign for Ataxia-telangiectasia. Last evaluated: 2020-10-14. Review status: no assertion criteria provided. Collection method: clinical testing. Allele origin: germline. Not counted in ClinVar's aggregate classification.

NM_000051.4(ATM):c.5268A>T (p.Thr1756=)

Gene: ATM (ATM serine/threonine kinase; plus strand). Cytogenetic location: 11q22.3.
Variant type: single nucleotide variant.
Coding change: c.5268A>T on transcript NM_000051.4 (MANE Select); coding-DNA position 5268, A replaced by T.
Protein change: p.Thr1756=; no amino-acid change (threonine 1756 retained).
Molecular consequence: synonymous variant.
Genome position (GRCh38, 1-based): chr11:108,301,738, A>T. VCF-style: chr11-108301738-A-T. GRCh37 (hg19) VCF-style: chr11-108172465-A-T.
Other names: c.5268A>T, p.Thr1756= (NM_001351834.2).
Identifiers: ClinVar variation 703291 (VCV000703291.44), dbSNP rs1591708913, ClinGen allele CA476674798.
Genomic context (GRCh38, chr11:108,301,738, plus strand): 5'-TTTGAAAAACATTTTAGCCACAAAGACTGGACATAGTTTCTGGGAGATTTATAAGATGAC[A>T]ACAGATCCAATGCTGGCCTATCTACAGCCTTTTAGAACATCAAGAAAAAAGGTCTCTTAA-3'
Protein context (NP_000042.3, residues 1746-1766): GHSFWEIYKM[Thr1756=]TDPMLAYLQP